The following is an entry in ClinVar:

ClinVar aggregate classification (germline): Uncertain significance (1 of 4 stars; one submission).

Conditions:
Cardiovascular phenotype. Identifiers: MedGen CN230736.

Submission:

Ambry Genetics
Classification: Uncertain significance for Cardiovascular phenotype. Last evaluated: 2025-10-11. Review status: criteria provided, single submitter. Criteria: Ambry Variant Classification Scheme 2023. Collection method: clinical testing. Allele origin: germline.
Comment: The p.Q25E variant (also known as c.73C>G), located in coding exon 2 of the EYA4 gene, results from a C to G substitution at nucleotide position 73. The glutamine at codon 25 is replaced by glutamic acid, an amino acid with highly similar properties. This amino acid position is conserved. In addition, the in silico prediction for this alteration is inconclusive. Based on the available evidence, the clinical significance of this variant remains unclear.

NM_004100.5(EYA4):c.73C>G (p.Gln25Glu)

Gene: EYA4 (EYA transcriptional coactivator and phosphatase 4; plus strand). Cytogenetic location: 6q23.2.
Variant type: single nucleotide variant.
Coding change: c.73C>G on transcript NM_004100.5 (MANE Select); coding-DNA position 73, C replaced by G.
Protein change: p.Gln25Glu; replaces glutamine 25 with glutamic acid.
Molecular consequence: missense variant.
Genome position (GRCh38, 1-based): chr6:133,382,431, C>G. VCF-style: chr6-133382431-C-G. GRCh37 (hg19) VCF-style: chr6-133703569-C-G.
Other names: c.73C>G, p.Gln25Glu (NM_001301012.2, NM_001301013.2, NM_001370458.1 and 3 more transcripts); short protein forms Q25E.
Identifiers: ClinVar variation 4614159 (VCV004614159.1).